The following is an entry in ClinVar:

NM_017775.4(TTC19):c.462+283G>A

Gene: TTC19 (tetratricopeptide repeat domain 19; plus strand). Cytogenetic location: 17p12.
Variant type: single nucleotide variant.
Coding change: c.462+283G>A on transcript NM_017775.4 (MANE Select); 283 bases into the intron after coding-DNA position 462, G replaced by A.
Molecular consequence: intron variant.
Genome position (GRCh38, 1-based): chr17:16,003,114, G>A. VCF-style: chr17-16003114-G-A. GRCh37 (hg19) VCF-style: chr17-15906428-G-A.
Other names: c.141+283G>A (NM_001271420.2).
Identifiers: ClinVar variation 673802 (VCV000673802.1), dbSNP rs2302416, ClinGen allele CA15901515.

ClinVar aggregate classification (germline): Benign (1 of 4 stars; one submission).

Allele frequency attached by ClinVar (database versions not stated): gnomAD 0.08848 and 0.09023; TOPMed 0.09609; 1000 Genomes Project 0.12620; 1000 Genomes Project 30x 0.12804.
gnomAD v4.1: 13,339 of 152,190 alleles (8.8%); highest among the groups gnomAD compares: African/African-American, 27%; 1,581 homozygotes.

Submission:

GeneDx
Classification: Benign. Last evaluated: 2018-06-16. Review status: criteria provided, single submitter. Criteria: GeneDx Variant Classification (06012015). Collection method: clinical testing. Allele origin: germline. Affected: yes.
Comment: This variant is considered likely benign or benign based on one or more of the following criteria: it is a conservative change, it occurs at a poorly conserved position in the protein, it is predicted to be benign by multiple in silico algorithms, and/or has population frequency not consistent with disease.